The following is an entry in ClinVar:

NM_181332.3(NLGN4X):c.70A>G (p.Asn24Asp)

Gene: NLGN4X (neuroligin 4 X-linked; minus strand). Cytogenetic location: Xp22.31.
Variant type: single nucleotide variant.
Coding change: c.70A>G on transcript NM_181332.3 (MANE Select); coding-DNA position 70, A replaced by G.
Protein change: p.Asn24Asp; replaces asparagine 24 with aspartic acid.
Molecular consequence: missense variant.
Genome position (GRCh38, 1-based): chrX:6,151,397, T>C on the plus strand (A>G on the coding strand, the complement: NLGN4X is on the minus strand). VCF-style: chrX-6151397-T-C. GRCh37 (hg19) VCF-style: chrX-6069438-T-C.
Other names: c.70A>G, p.Asn24Asp (NM_001282145.2, NM_001282146.2, NM_020742.4); short protein forms N24D.
Identifiers: ClinVar variation 2581692 (VCV002581692.1), dbSNP rs1272409499, ClinGen allele CA412015534.

ClinVar aggregate classification (germline): Uncertain significance (1 of 4 stars; one submission).

Submission:

Women's Health and Genetics/Laboratory Corporation of America, LabCorp
Classification: Uncertain significance. Last evaluated: 2023-08-14. Review status: criteria provided, single submitter. Criteria: LabCorp Variant Classification Summary - May 2015. Collection method: clinical testing. Allele origin: germline.
Comment: Variant summary: NLGN4X c.70A>G (p.Asn24Asp) results in a conservative amino acid change in the encoded protein sequence. Five of five in-silico tools predict a benign effect of the variant on protein function. The variant was absent in 183465 control chromosomes (gnomAD). The available data on variant occurrences in the general population are insufficient to allow any conclusion about variant significance. To our knowledge, no occurrence of c.70A>G in individuals affected with NLGN4X-Related Disorders and no experimental evidence demonstrating its impact on protein function have been reported. No submitters have cited clinical-significance assessments for this variant to ClinVar after 2014. Based on the evidence outlined above, the variant was classified as uncertain significance.